The following is an entry in ClinVar:

NC_000013.11:g.(?_48345074)_(48345205_?)del

Gene: RB1 (RB transcriptional corepressor 1; plus strand). Cytogenetic location: 13q14.2.
Variant type: Deletion.
Identifiers: ClinVar variation 583949 (VCV000583949.2).

ClinVar aggregate classification (germline): Pathogenic (1 of 4 stars; one submission).

Conditions:
Retinoblastoma (RB1). Also called: RETINOBLASTOMA, SOMATIC. Identifiers: Orphanet 790, MedGen C0035335, MeSH D012175, MONDO:0008380, OMIM 180200, HP:0009919. Disease mechanism: loss of function. Inheritance: Both sporadic and heritable forms are tested..

Submission:

Labcorp Genetics (formerly Invitae), Labcorp
Classification: Pathogenic for Retinoblastoma. Last evaluated: 2019-01-08. Review status: criteria provided, single submitter. Criteria: Invitae Variant Classification Sherloc (09022015). Collection method: clinical testing. Allele origin: germline.
Comment: This variant is an in-frame deletion of the genomic region encompassing exon 4 of the RB1 gene. It preserves the integrity of the reading frame. This variant has been observed in several individuals affected with unilateral and bilateral retinoblastoma (PMID: 8099255, 20090211). It has also been observed to segregate with retinoblastoma in a family (PMID: 8099255). While all tested, affected individuals in the family had this variant, penetrance was reduced with relatively mild phenotypic expression, with some unaffected individuals carrying this variant. Experimental studies and prediction algorithms are not available for this variant, and the functional significance of the affected amino acid(s) is currently unknown. For these reasons, this variant has been classified as Pathogenic.

Literature cited by the submitters: PubMed 20090211; PubMed 8099255.